The following is an entry in ClinVar:

ClinVar aggregate classification (germline): Likely pathogenic. Review status: criteria provided, multiple submitters, no conflicts (2 of 4 stars). 2 submissions from 2 submitters: Likely pathogenic (2). Last evaluated 2025-05-27.

Conditions:
Ciliary dyskinesia, primary, 40. Also called: CILIARY DYSKINESIA, PRIMARY, 40, WITH OR WITHOUT SITUS INVERSUS. Identifiers: MedGen C4749028, MONDO:0032664, OMIM 618300.

gnomAD v4.1: 6 of 1,613,986 alleles (0.00037%); highest among the groups gnomAD compares: African/African-American, 0.0053%; no homozygotes.

Submissions (2):

Labcorp Genetics (formerly Invitae), Labcorp
Classification: Likely pathogenic. Last evaluated: 2025-05-27. Review status: criteria provided, single submitter. Criteria: Invitae Variant Classification Sherloc (09022015). Collection method: clinical testing. Allele origin: germline.
Comment: This sequence change affects a donor splice site in intron 59 of the DNAH9 gene. It is expected to disrupt RNA splicing. Variants that disrupt the donor or acceptor splice site typically lead to a loss of protein function (PMID: 16199547), and loss-of-function variants in DNAH9 are known to be pathogenic (PMID: 30471718). This variant is not present in population databases (gnomAD no frequency). This variant has not been reported in the literature in individuals affected with DNAH9-related conditions. ClinVar contains an entry for this variant (Variation ID: 1927508). Algorithms developed to predict the effect of sequence changes on RNA splicing suggest that this variant may disrupt the consensus splice site. In summary, the currently available evidence indicates that the variant is pathogenic, but additional data are needed to prove that conclusively. Therefore, this variant has been classified as Likely Pathogenic.

First Genomix Gene Laboratory, Genetic Diagnostics Department
Classification: Likely pathogenic for Ciliary dyskinesia, primary, 40. Last evaluated: 2025-01-06. Review status: criteria provided, single submitter. Criteria: ACMG Guidelines, 2015. Collection method: clinical testing. Allele origin: germline. Inheritance: Autosomal recessive inheritance. Affected: no. Observed: 1 variant allele.

Literature cited by the submitters: PubMed 16199547 (cited by Labcorp Genetics (formerly Invitae), Labcorp); PubMed 30471718 (cited by Labcorp Genetics (formerly Invitae), Labcorp).

NM_001372.4(DNAH9):c.11406+1G>T

Gene: DNAH9 (dynein axonemal heavy chain 9; plus strand). Cytogenetic location: 17p12.
Variant type: single nucleotide variant.
Coding change: c.11406+1G>T on transcript NM_001372.4 (MANE Select); the canonical splice donor site of the intron after coding-DNA position 11406, G replaced by T.
Molecular consequence: splice donor variant.
Genome position (GRCh38, 1-based): chr17:11,894,497, G>T. VCF-style: chr17-11894497-G-T. GRCh37 (hg19) VCF-style: chr17-11797814-G-T.
Other names: c.342+1G>T (NM_004662.2).
Identifiers: ClinVar variation 1927508 (VCV001927508.6), dbSNP rs536602504, ClinGen allele CA287980401.
Genomic context (GRCh38, chr17:11,894,497, plus strand): 5'-CAGACGGGCACCGCCAGCCCCGTGGAGTTCCTCTCCCATCAGGCGTGGGGAGCTGTCAAG[G>T]TCAGTATTGACCCCTAGAAAAAAGCCAAGCTCTCATCTCTCAGAATTTACCTCTGACACT-3'